The following is an entry in ClinVar:

ClinVar aggregate classification (germline): Uncertain significance (1 of 4 stars; one submission).

Conditions:
Arrhythmogenic right ventricular dysplasia 9 (ARVD9). Also called: Arrhythmogenic Right Ventricular Dysplasia/Cardiomyopathy 9; ARRHYTHMOGENIC RIGHT VENTRICULAR DYSPLASIA, FAMILIAL, 9. Identifiers: MedGen C1836906, MONDO:0012180, OMIM 609040.

Allele frequency attached by ClinVar (database versions not stated): ExAC 0.00001; gnomAD 0.00001; 1000 Genomes Project 0.00020; 1000 Genomes Project 30x 0.00031.

Submission:

Labcorp Genetics (formerly Invitae), Labcorp
Classification: Uncertain significance for Arrhythmogenic right ventricular dysplasia 9. Last evaluated: 2023-08-04. Review status: criteria provided, single submitter. Criteria: Invitae Variant Classification Sherloc (09022015). Collection method: clinical testing. Allele origin: germline.
Comment: In summary, the available evidence is currently insufficient to determine the role of this variant in disease. Therefore, it has been classified as a Variant of Uncertain Significance. An algorithm developed to predict the effect of missense changes on protein structure and function (PolyPhen-2) suggests that this variant is likely to be tolerated. ClinVar contains an entry for this variant (Variation ID: 2100769). This variant has not been reported in the literature in individuals affected with PKP2-related conditions. This variant is present in population databases (rs201910118, gnomAD 0.0009%). This sequence change replaces glutamic acid, which is acidic and polar, with aspartic acid, which is acidic and polar, at codon 769 of the PKP2 protein (p.Glu769Asp).

NM_001005242.3(PKP2):c.2175A>T (p.Glu725Asp)

Gene: PKP2 (plakophilin 2; minus strand). Cytogenetic location: 12p11.21.
Variant type: single nucleotide variant.
Coding change: c.2175A>T on transcript NM_001005242.3 (MANE Select); coding-DNA position 2175, A replaced by T.
Protein change: p.Glu725Asp; replaces glutamic acid 725 with aspartic acid.
Molecular consequence: missense variant.
Genome position (GRCh38, 1-based): chr12:32,796,291, T>A on the plus strand (A>T on the coding strand, the complement: PKP2 is on the minus strand). VCF-style: chr12-32796291-T-A. GRCh37 (hg19) VCF-style: chr12-32949225-T-A.
Other names: c.2010A>T, p.Glu670Asp (NM_001407156.1); c.1848A>T, p.Glu616Asp (NM_001407158.1, NM_001407159.1); c.2307A>T, p.Glu769Asp (NM_004572.4); short protein forms E670D, E769D, E616D, E725D.
Identifiers: ClinVar variation 2100769 (VCV002100769.4), dbSNP rs201910118, ClinGen allele CA034713.
Genomic context (GRCh38, chr12:32,796,291, plus strand): 5'-AATGAGAAGGTCAGTACTCGGGACTGTGTCAGGAATGATGGAAACCAAATCAGGGAGAGT[T>A]TCTTTGGCTACAAAATGAAAAAAAAAACAAAACACTTGATTAAAAAGATTGTTTCTTAAT-3'
Protein context (NP_001005242.2, residues 715-735): NLSLQNEIAK[Glu725Asp]TLPDLVSIIP